The following is an entry in ClinVar:

NM_000536.4(RAG2):c.116G>T (p.Arg39Ile)

Gene: RAG2 (recombination activating 2; minus strand). Cytogenetic location: 11p12.
Variant type: single nucleotide variant.
Coding change: c.116G>T on transcript NM_000536.4 (MANE Select); coding-DNA position 116, G replaced by T.
Protein change: p.Arg39Ile; replaces arginine 39 with isoleucine.
Molecular consequence: missense variant.
Genome position (GRCh38, 1-based): chr11:36,594,053, C>A on the plus strand (G>T on the coding strand, the complement: RAG2 is on the minus strand). VCF-style: chr11-36594053-C-A. GRCh37 (hg19) VCF-style: chr11-36615603-C-A.
Other names: c.116G>T, p.Arg39Ile (NM_001243785.2, NM_001243786.2); short protein forms R39I.
Identifiers: ClinVar variation 1407724 (VCV001407724.8), dbSNP rs2133316269, ClinGen allele CA380144570.
Genomic context (GRCh38, chr11:36,594,053, plus strand): 5'-GGCTTCAGTTTGACATGGTTATGCTTTACATCCAGATGGAAAACTCCAGTGGGGCAGGAT[C>A]TTTTGGGCCAGCCTTTTTGTCCAAAGAAGAAAACTTGTCCATCAAAATTCATCAGTGAGA-3'
Protein context (NP_000527.2, residues 29-49): FFFGQKGWPK[Arg39Ile]SCPTGVFHLD

ClinVar aggregate classification (germline): Uncertain significance (1 of 4 stars; one submission).

Conditions:
Severe combined immunodeficiency, autosomal recessive, T cell-negative, B cell-negative, NK cell-positive. Also called: Severe combined immunodeficiency due to complete RAG1/2 deficiency; SCID, T CELL-NEGATIVE, B CELL-NEGATIVE, NK CELL-POSITIVE; SCID, AR, T-cell negative, B-cell negative, NK cell-positive. Identifiers: Orphanet 331206, MedGen C1832322, MONDO:0011086, OMIM 601457.
Combined immunodeficiency with skin granulomas. Identifiers: Orphanet 157949, MedGen C2673536, MONDO:0009306, OMIM 233650.

Allele frequency attached by ClinVar (database versions not stated): gnomAD exomes below 0.00001.

Submission:

Labcorp Genetics (formerly Invitae), Labcorp
Classification: Uncertain significance for Combined immunodeficiency with skin granulomas; Severe combined immunodeficiency, autosomal recessive, T cell-negative, B cell-negative, NK cell-positive. Last evaluated: 2022-08-09. Review status: criteria provided, single submitter. Criteria: Invitae Variant Classification Sherloc (09022015). Collection method: clinical testing. Allele origin: germline.
Comment: This sequence change replaces arginine, which is basic and polar, with isoleucine, which is neutral and non-polar, at codon 39 of the RAG2 protein (p.Arg39Ile). This variant is not present in population databases (gnomAD no frequency). This variant has not been reported in the literature in individuals affected with RAG2-related conditions. ClinVar contains an entry for this variant (Variation ID: 1407724). In summary, the available evidence is currently insufficient to determine the role of this variant in disease. Therefore, it has been classified as a Variant of Uncertain Significance. Advanced modeling of protein sequence and biophysical properties (such as structural, functional, and spatial information, amino acid conservation, physicochemical variation, residue mobility, and thermodynamic stability) performed at Invitae indicates that this missense variant is expected to disrupt RAG2 protein function.